The following is an entry in ClinVar:

ClinVar aggregate classification (germline): Pathogenic/Likely pathogenic. Review status: criteria provided, multiple submitters, no conflicts (2 of 4 stars). 6 submissions from 6 submitters: Pathogenic (5); Likely pathogenic (1). Last evaluated 2025-05-29.

Conditions:
ATP7B-related disorder. Also called: ATP7B-related condition.
Wilson disease (WND). Also called: Wilson's disease. Identifiers: Orphanet 905, MedGen C0019202, MONDO:0010200, OMIM 277900. Disease mechanism: loss of function.

Allele frequency attached by ClinVar (database versions not stated): gnomAD exomes below 0.00001.
gnomAD v4.1: 1 of 1,613,746 alleles (0.000062%); highest among the groups gnomAD compares: South Asian, 0.0011%; no homozygotes.

Submissions (6):

Natera, Inc.
Classification: Pathogenic for Wilson disease. Last evaluated: 2025-05-29. Review status: criteria provided, single submitter. Criteria: Natera Variant Classification Schema (03/2026). Collection method: clinical testing. Allele origin: germline.
Comment: The c.2356-2A>G variant in ATP7B is a canonical splice acceptor site variant predicted to affect pre-mRNA splicing, which may result in an abnormal transcript and altered protein product. This variant is expected to result in nonsense mediated decay, truncation, or a dysfunctional protein product. This variant is rare in the general population with a frequency below the threshold expected for the associated phenotype(s). This variant has been observed in one or more individuals affected with the associated recessive disease, as either homozygous or compound heterozygous with a second variant (PMID: 35220961). Given the available evidence, this variant is classified as Pathogenic.

Labcorp Genetics (formerly Invitae), Labcorp
Classification: Likely pathogenic for Wilson disease. Last evaluated: 2023-11-17. Review status: criteria provided, single submitter. Criteria: Invitae Variant Classification Sherloc (09022015). Collection method: clinical testing. Allele origin: germline.
Comment: This sequence change affects an acceptor splice site in intron 8 of the ATP7B gene. It is expected to disrupt RNA splicing. Variants that disrupt the donor or acceptor splice site typically lead to a loss of protein function (PMID: 16199547), and loss-of-function variants in ATP7B are known to be pathogenic (PMID: 10441329, 16283883). This variant is not present in population databases (gnomAD no frequency). Disruption of this splice site has been observed in individual(s) with Wilson disease (PMID: 34400371). ClinVar contains an entry for this variant (Variation ID: 1162213). Algorithms developed to predict the effect of sequence changes on RNA splicing suggest that this variant may disrupt the consensus splice site. In summary, the currently available evidence indicates that the variant is pathogenic, but additional data are needed to prove that conclusively. Therefore, this variant has been classified as Likely Pathogenic.

Baylor Genetics
Classification: Pathogenic for Wilson disease. Last evaluated: 2023-05-10. Review status: criteria provided, single submitter. Criteria: ACMG Guidelines, 2015. Collection method: clinical testing. Allele origin: unknown.

Genome-Nilou Lab
Classification: Pathogenic for Wilson disease. Last evaluated: 2021-08-10. Review status: criteria provided, single submitter. Criteria: ACMG Guidelines, 2015. Collection method: clinical testing. Allele origin: germline. Affected: no.

Inborn Errors of Metabolism Laboratory, Hospices Civils de Lyon
Classification: Pathogenic for Wilson disease. Last evaluated: 2021-06-01. Review status: criteria provided, single submitter. Criteria: ACMG Guidelines, 2015. Collection method: clinical testing. Allele origin: germline. Affected: yes. Observed: 2 variant alleles.

Blueprint Genetics
Classification: Pathogenic for ATP7B-related disorders. Last evaluated: 2020-01-29. Review status: criteria provided, single submitter. Criteria: ACMG Guidelines, 2015. Collection method: clinical testing. Allele origin: germline. Affected: yes. Observed: 1 variant allele.

Literature cited by the submitters: PubMed 35220961 (cited by Natera, Inc.); PubMed 16199547 (cited by Labcorp Genetics (formerly Invitae), Labcorp); PubMed 10441329 (cited by Labcorp Genetics (formerly Invitae), Labcorp); PubMed 16283883 (cited by Labcorp Genetics (formerly Invitae), Labcorp); PubMed 34400371 (cited by Labcorp Genetics (formerly Invitae), Labcorp).

NM_000053.4(ATP7B):c.2356-2A>G

Gene: ATP7B (ATPase copper transporting beta; minus strand). Cytogenetic location: 13q14.3.
Variant type: single nucleotide variant.
Coding change: c.2356-2A>G on transcript NM_000053.4 (MANE Select); the canonical splice acceptor site of the intron before coding-DNA position 2356, A replaced by G.
Molecular consequence: splice acceptor variant. On other transcripts: intron variant (1).
Genome position (GRCh38, 1-based): chr13:51,957,609, T>C on the plus strand (A>G on the coding strand, the complement: ATP7B is on the minus strand). VCF-style: chr13-51957609-T-C. GRCh37 (hg19) VCF-style: chr13-52531745-T-C.
Other names: c.1870-2A>G (NM_001406541.1, NM_001005918.3, NM_001406546.1 and 1 more transcripts); c.2104-2A>G (NM_001406531.1, NM_001406532.1, NM_001406540.1 and 1 more transcripts); c.2122-2A>G (NM_001406527.1, NM_001406528.1, NM_001406534.1 and 2 more transcripts); c.2212-2A>G (NM_001406537.1, NM_001406521.1, NM_001406522.1 and 1 more transcripts); c.2356-2A>G (NM_001406513.1, NM_001406511.1, NM_001406516.1 and 7 more transcripts); c.2008-2A>G (NM_001406543.1); c.2023-2A>G (NM_001243182.2); c.1286-7448A>G (NM_001406548.1); and 8 more.
Identifiers: ClinVar variation 1162213 (VCV001162213.10), dbSNP rs2139505830, ClinGen allele CA388020430.
Genomic context (GRCh38, chr13:51,957,609, plus strand): 5'-ACGGTGGCTTCTGTGGCTTGGAGAGACATGAGTTTAGCCAGGGCTTCTGAGGTTTTGCTC[T>C]AGGAAATAACCAGAATGTGAAATGAGAGCTATCGAAAGCAGACCTGTCCAAACCCAGCCT-3'